The following is an entry in ClinVar:

ClinVar aggregate classification (germline): Uncertain significance (1 of 4 stars; one submission).

Allele frequency attached by ClinVar (database versions not stated): gnomAD 0.00001.
gnomAD v4.1: 2 of 1,613,844 alleles (0.00012%); highest among the groups gnomAD compares: African/African-American, 0.0013%; no homozygotes.

Submission:

GeneDx
Classification: Uncertain significance. Last evaluated: 2023-01-27. Review status: criteria provided, single submitter. Criteria: GeneDx Variant Classification Process June 2021. Collection method: clinical testing. Allele origin: germline. Affected: yes.
Comment: Not observed at significant frequency in large population cohorts (gnomAD); In silico analysis supports that this missense variant does not alter protein structure/function; Has not been previously published as pathogenic or benign to our knowledge

NM_001277115.2(DNAH11):c.2410A>G (p.Thr804Ala)

Gene: DNAH11 (dynein axonemal heavy chain 11; plus strand). Cytogenetic location: 7p15.3.
Variant type: single nucleotide variant.
Coding change: c.2410A>G on transcript NM_001277115.2 (MANE Select); coding-DNA position 2410, A replaced by G.
Protein change: p.Thr804Ala; replaces threonine 804 with alanine.
Molecular consequence: missense variant.
Genome position (GRCh38, 1-based): chr7:21,591,320, A>G. VCF-style: chr7-21591320-A-G. GRCh37 (hg19) VCF-style: chr7-21630938-A-G.
Other names: c.2410A>G, p.Thr804Ala (NM_003777.3); short protein forms T804A.
Identifiers: ClinVar variation 2574494 (VCV002574494.1), dbSNP rs1341018878, ClinGen allele CA366942640.